The following is an entry in ClinVar:

ClinVar aggregate classification (germline): Uncertain significance (1 of 4 stars; one submission).

Allele frequency attached by ClinVar (database versions not stated): gnomAD exomes below 0.00001.
gnomAD v4.1: 2 of 1,594,122 alleles (0.00013%); highest among the groups gnomAD compares: African/African-American, 0.0013%; no homozygotes.

Submission:

Labcorp Genetics (formerly Invitae), Labcorp
Classification: Uncertain significance. Last evaluated: 2023-10-13. Review status: criteria provided, single submitter. Criteria: Invitae Variant Classification Sherloc (09022015). Collection method: clinical testing. Allele origin: germline.
Comment: This sequence change falls in intron 2 of the TBX18 gene. It does not directly change the encoded amino acid sequence of the TBX18 protein. It affects a nucleotide within the consensus splice site. This variant is present in population databases (no rsID available, gnomAD 0.007%). This variant has not been reported in the literature in individuals affected with TBX18-related conditions. Variants that disrupt the consensus splice site are a relatively common cause of aberrant splicing (PMID: 17576681, 9536098). Algorithms developed to predict the effect of sequence changes on RNA splicing suggest that this variant is not likely to affect RNA splicing. In summary, the available evidence is currently insufficient to determine the role of this variant in disease. Therefore, it has been classified as a Variant of Uncertain Significance.

Literature cited by the submitters: PubMed 17576681; PubMed 9536098.

NM_001080508.3(TBX18):c.498-3T>C

Gene: TBX18 (T-box transcription factor 18; minus strand). Cytogenetic location: 6q14.3.
Variant type: single nucleotide variant.
Coding change: c.498-3T>C on transcript NM_001080508.3 (MANE Select); 3 bases into the intron before coding-DNA position 498, T replaced by C.
Molecular consequence: intron variant.
Genome position (GRCh38, 1-based): chr6:84,760,359, A>G on the plus strand (T>C on the coding strand, the complement: TBX18 is on the minus strand). VCF-style: chr6-84760359-A-G. GRCh37 (hg19) VCF-style: chr6-85470077-A-G.
Identifiers: ClinVar variation 2768143 (VCV002768143.3), dbSNP rs1179250699, ClinGen allele CA568312633.